The following is an entry in ClinVar:

ClinVar aggregate classification (germline): Uncertain significance (1 of 4 stars; one submission).

Conditions:
BICRA-related disorder. Also called: BICRA-related condition.

Submission:

PreventionGenetics, part of Exact Sciences
Classification: Uncertain significance for BICRA-related condition. Last evaluated: 2025-10-14. Review status: criteria provided, single submitter. Criteria: ACMG Guidelines, 2015. Collection method: clinical testing. Allele origin: germline.
Comment: The BICRA c.3900C>G variant is predicted to result in premature protein termination (p.Tyr1300*). This variant is located in the final exon of BICRA and is not predicted to undergo nonsense mediated decay. To our knowledge, this variant has not been reported in the literature or in a large population database (gnomAD), indicating this variant is rare. To our knowledge, only one truncating variant has been reported downstream of this variant (p.Gln1457* in Barish et al. 2020. PubMed ID: 33232675). Although we suspect that this variant may be pathogenic, at this time, the clinical significance of this variant is uncertain due to the absence of conclusive functional and genetic evidence.

NM_001394372.1(BICRA):c.3900C>G (p.Tyr1300Ter)

Gene: BICRA (BRD4 interacting chromatin remodeling complex associated protein; plus strand). Cytogenetic location: 19q13.33.
Variant type: single nucleotide variant.
Coding change: c.3900C>G on transcript NM_001394372.1 (MANE Select); coding-DNA position 3900, C replaced by G.
Protein change: p.Tyr1300Ter; replaces tyrosine 1300 with a stop codon.
Molecular consequence: nonsense.
Genome position (GRCh38, 1-based): chr19:47,701,632, C>G. VCF-style: chr19-47701632-C-G. GRCh37 (hg19) VCF-style: chr19-48204889-C-G.
Other names: c.3900C>G, p.Tyr1300Ter (NM_015711.3); short protein forms Y1300*.
Identifiers: ClinVar variation 4997016 (VCV004997016.1).